The following is an entry in ClinVar:

NM_002458.3(MUC5B):c.13547C>T (p.Thr4516Ile)

Gene: MUC5B (mucin 5B, oligomeric mucus/gel-forming; plus strand). Cytogenetic location: 11p15.5.
Variant type: single nucleotide variant.
Coding change: c.13547C>T on transcript NM_002458.3 (MANE Select); coding-DNA position 13547, C replaced by T.
Protein change: p.Thr4516Ile; replaces threonine 4516 with isoleucine.
Molecular consequence: missense variant.
Genome position (GRCh38, 1-based): chr11:1,250,427, C>T. VCF-style: chr11-1250427-C-T. GRCh37 (hg19) VCF-style: chr11-1271657-C-T.
Other names: short protein forms T4516I.
Identifiers: ClinVar variation 4880879 (VCV004880879.2).

ClinVar aggregate classification (germline): Uncertain significance (1 of 4 stars; one submission).

gnomAD v4.1: 2 of 1,595,306 alleles (0.00013%); highest among the groups gnomAD compares: Non-Finnish European, 0.00017%; no homozygotes.

Submission:

Dasa
Classification: Uncertain significance. Last evaluated: 2025-01-08. Review status: criteria provided, single submitter. Criteria: DASA Assertion Criteria. Collection method: clinical testing. Allele origin: germline.
Comment: NM_002458.3(MUC5B):c.13547C>T (p.Thr4516Ile) is a missense variant that results in the substitution of threonine with isoleucine. This variant is rare in population databases. Computational prediction algorithms are consistent with a benign effect. The currently available literature and clinical evidence are not sufficient to establish a definitive association between this variant and the reported condition. Therefore, this variant is classified as a variant of uncertain significance.